The following is an entry in ClinVar:

ClinVar aggregate classification (germline): Uncertain significance (1 of 4 stars; one submission).

Submission:

CeGaT Center for Human Genetics Tuebingen
Classification: Uncertain significance. Last evaluated: 2026-07-01. Review status: criteria provided, single submitter. Criteria: CeGaT Center For Human Genetics Tuebingen Variant Classification Criteria Version 2. Collection method: clinical testing. Allele origin: germline. Affected: yes. Observed: 1 variant allele.
Comment: COL5A1: PM2

NM_000093.5(COL5A1):c.4612C>T (p.Pro1538Ser)

Genes: COL5A1 (collagen type V alpha 1 chain; plus strand), LOC101448202 (uncharacterized LOC101448202; minus strand). Cytogenetic location: 9q34.3.
Variant type: single nucleotide variant.
Coding change: c.4612C>T on transcript NM_000093.5 (MANE Select); coding-DNA position 4612, C replaced by T.
Protein change: p.Pro1538Ser; replaces proline 1538 with serine.
Molecular consequence: missense variant.
Genome position (GRCh38, 1-based): chr9:134,823,001, C>T. VCF-style: chr9-134823001-C-T. GRCh37 (hg19) VCF-style: chr9-137714847-C-T.
Other names: c.4612C>T, p.Pro1538Ser (NM_001278074.1); short protein forms P1538S.
Identifiers: ClinVar variation 5040153 (VCV005040153.1).